The following is an entry in ClinVar:

NM_001701.4(BAAT):c.102A>T (p.Ala34=)

Gene: BAAT (bile acid-CoA:amino acid N-acyltransferase; minus strand). Cytogenetic location: 9q31.1.
Variant type: single nucleotide variant.
Coding change: c.102A>T on transcript NM_001701.4 (MANE Select); coding-DNA position 102, A replaced by T.
Protein change: p.Ala34=; no amino-acid change (alanine 34 retained).
Molecular consequence: synonymous variant.
Genome position (GRCh38, 1-based): chr9:101,371,303, T>A on the plus strand (A>T on the coding strand, the complement: BAAT is on the minus strand). VCF-style: chr9-101371303-T-A. GRCh37 (hg19) VCF-style: chr9-104133585-T-A.
Other names: c.102A>T, p.Ala34= (NM_001127610.2, NM_001374715.1); c.102A>T (NM_001701.3).
Identifiers: ClinVar variation 498835 (VCV000498835.7), dbSNP rs774722346, ClinGen allele CA5160786.

ClinVar aggregate classification (germline): Uncertain significance. Review status: criteria provided, single submitter (1 of 4 stars). 2 submissions from 2 submitters: Uncertain significance (1). 1 of the submissions does not count toward it. Last evaluated 2016-11-28.

Conditions:
BAAT-related disorder. Also called: BAAT-related condition.

Allele frequency attached by ClinVar (database versions not stated): gnomAD 0.00002; TOPMed 0.00002.
gnomAD v4.1: 36 of 1,613,646 alleles (0.0022%); highest among the groups gnomAD compares: East Asian, 0.033%; no homozygotes.

Submissions (2):

Eurofins Ntd Llc (ga)
Classification: Uncertain significance. Last evaluated: 2016-11-28. Review status: criteria provided, single submitter. Criteria: EGL Classification Definitions 2015. Collection method: clinical testing. Allele origin: germline. Observed: 1 variant allele, 1 heterozygote.

PreventionGenetics, part of Exact Sciences
Classification: Likely benign for BAAT-related condition. Last evaluated: 2020-12-15. Review status: no assertion criteria provided. Collection method: clinical testing. Allele origin: germline. Not counted in ClinVar's aggregate classification.
Comment: This variant is classified as likely benign based on ACMG/AMP sequence variant interpretation guidelines (Richards et al. 2015 PMID: 25741868, with internal and published modifications).